The following is an entry in ClinVar:

NM_000170.3(GLDC):c.1100C>T (p.Thr367Ile)

Gene: GLDC (glycine decarboxylase; minus strand). Cytogenetic location: 9p24.1.
Variant type: single nucleotide variant.
Coding change: c.1100C>T on transcript NM_000170.3 (MANE Select); coding-DNA position 1100, C replaced by T.
Protein change: p.Thr367Ile; replaces threonine 367 with isoleucine.
Molecular consequence: missense variant.
Genome position (GRCh38, 1-based): chr9:6,602,164, G>A on the plus strand (C>T on the coding strand, the complement: GLDC is on the minus strand). VCF-style: chr9-6602164-G-A. GRCh37 (hg19) VCF-style: chr9-6602164-G-A.
Other names: short protein forms T367I.
Identifiers: ClinVar variation 522781 (VCV000522781.10), dbSNP rs1183976692, ClinGen allele CA372894599.

ClinVar aggregate classification (germline): Uncertain significance. Review status: criteria provided, multiple submitters, no conflicts (2 of 4 stars). 3 submissions from 3 submitters: Uncertain significance (3). Last evaluated 2025-09-25.

Conditions:
Glycine encephalopathy. Also called: Nonketotic hyperglycinemia; Non-ketotic hyperglycinemia. Identifiers: Orphanet 407, MedGen C0751748, MONDO:0011612, HP:0008288.
Glycine encephalopathy 1 (GCE1). Identifiers: MedGen CN376801, MONDO:0958179, OMIM 605899.

Allele frequency attached by ClinVar (database versions not stated): TOPMed 0.00001.
gnomAD v4.1: 1 of 1,613,346 alleles (0.000062%); no homozygotes.

Submissions (3):

Myriad Genetics, Inc.
Classification: Uncertain significance for Glycine encephalopathy 1. Last evaluated: 2025-09-25. Review status: criteria provided, single submitter. Criteria: Myriad Autosomal Dominant, Autosomal Recessive and X-Linked Classification Criteria (2023). Collection method: clinical testing. Allele origin: unknown.
Comment: NM_000170.2(GLDC):c.1100C>T(T367I) is a missense variant classified as a variant of uncertain significance in the context of glycine encephalopathy, GLDC-related. T367I has not been observed in cases with relevant disease. Relevant functional assessments of this variant are not available in the literature. T367I has not been observed in referenced population frequency databases. In summary, there is insufficient evidence to classify NM_000170.2(GLDC):c.1100C>T(T367I) as pathogenic or benign. Please note: this variant was assessed in the context of healthy population screening.

Labcorp Genetics (formerly Invitae), Labcorp
Classification: Uncertain significance for Glycine encephalopathy. Last evaluated: 2021-10-25. Review status: criteria provided, single submitter. Criteria: Invitae Variant Classification Sherloc (09022015). Collection method: clinical testing. Allele origin: germline.
Comment: This variant has not been reported in the literature in individuals with GLDC-related conditions. ClinVar contains an entry for this variant (Variation ID: 522781). This sequence change replaces threonine with isoleucine at codon 367 of the GLDC protein (p.Thr367Ile). The threonine residue is highly conserved and there is a moderate physicochemical difference between threonine and isoleucine. This variant is not present in population databases (ExAC no frequency). Advanced modeling of protein sequence and biophysical properties (such as structural, functional, and spatial information, amino acid conservation, physicochemical variation, residue mobility, and thermodynamic stability) performed at Invitae indicates that this missense variant is expected to disrupt GLDC protein function. In summary, the available evidence is currently insufficient to determine the role of this variant in disease. Therefore, it has been classified as a Variant of Uncertain Significance.

Genomic Research Center, Shahid Beheshti University of Medical Sciences
Classification: Uncertain significance. Last evaluated: 2020-05-03. Review status: criteria provided, single submitter. Criteria: ACMG Guidelines, 2015. Collection method: clinical testing. Allele origin: unknown. Affected: no.